The following is an entry in ClinVar:

NM_006736.6(DNAJB2):c.703C>G (p.Gln235Glu)

Gene: DNAJB2 (DnaJ heat shock protein family (Hsp40) member B2; plus strand). Cytogenetic location: 2q35.
Variant type: single nucleotide variant.
Coding change: c.703C>G on transcript NM_006736.6 (MANE Select); coding-DNA position 703, C replaced by G.
Protein change: p.Gln235Glu; replaces glutamine 235 with glutamic acid.
Molecular consequence: missense variant.
Genome position (GRCh38, 1-based): chr2:219,284,715, C>G. VCF-style: chr2-219284715-C-G. GRCh37 (hg19) VCF-style: chr2-220149437-C-G.
Other names: p.Gln235Glu; c.703C>G, p.Gln235Glu (NM_001039550.2); short protein forms Q235E.
Identifiers: ClinVar variation 439620 (VCV000439620.30), dbSNP rs148615702, ClinGen allele CA2123083.
Genomic context (GRCh38, chr2:219,284,715, plus strand): 5'-GGCTTGGAGCTGAGCCGTCGCGAGCAGCAGCCGTCAGTCACTTCCAGGTCTGGGGGCACT[C>G]AGGTCCAGCAGACCCCTGCCTCATGCCCCTTGGACAGCGACCTCTCTGAGGATGAGGACC-3'
Protein context (NP_006727.2, residues 225-245): PSVTSRSGGT[Gln235Glu]VQQTPASCPL

ClinVar aggregate classification (germline): Likely benign. Review status: criteria provided, multiple submitters, no conflicts (2 of 4 stars). 8 submissions from 8 submitters: Likely benign (7). 1 of the submissions does not count toward it. Last evaluated 2026-01-15.

Conditions:
DNAJB2-related disorder. Also called: DNAJB2-related condition.
Inborn genetic diseases. Identifiers: MedGen C0950123, MeSH D030342.
Charcot-Marie-Tooth disease. Also called: Charcot-Marie-Tooth Neuropathy; Charcot-Marie-Tooth Hereditary Neuropathy. Identifiers: Orphanet 166, MedGen C0007959, MONDO:0015626.
Neuronopathy, distal hereditary motor, autosomal recessive 5. Also called: Spinal muscular atrophy, distal, autosomal recessive, 5; Young adult-onset distal hereditary motor neuropathy; NEUROPATHY, DISTAL HEREDITARY MOTOR, AUTOSOMAL RECESSIVE 5. Identifiers: Orphanet 314485, Orphanet 443950, MedGen C4749918, MONDO:0013947, OMIM 614881.

Allele frequency attached by ClinVar (database versions not stated): ESP Exome Variant Server 0.00015; gnomAD exomes 0.00016 and 0.00072; 1000 Genomes Project 30x 0.00031; gnomAD 0.00035 and 0.00038; 1000 Genomes Project 0.00040; ExAC 0.00061; TOPMed 0.00088.

Submissions (8):

Labcorp Genetics (formerly Invitae), Labcorp
Classification: Likely benign for Neuronopathy, distal hereditary motor, autosomal recessive 5. Last evaluated: 2026-01-15. Review status: criteria provided, single submitter. Criteria: Invitae Variant Classification Sherloc (09022015). Collection method: clinical testing. Allele origin: germline.

Mayo Clinic Laboratories, Mayo Clinic
Classification: Likely benign. Last evaluated: 2025-06-20. Review status: criteria provided, single submitter. Criteria: ACMG Guidelines, 2015. Collection method: clinical testing. Allele origin: germline. Observed: 4 variant alleles.
Comment: BS1, BP4

GeneDx
Classification: Likely benign. Last evaluated: 2021-06-17. Review status: criteria provided, single submitter. Criteria: GeneDx Variant Classification Process June 2021. Collection method: clinical testing. Allele origin: germline. Affected: yes.

Ambry Genetics
Classification: Likely benign for Inborn genetic diseases. Last evaluated: 2019-11-12. Review status: criteria provided, single submitter. Criteria: Ambry Variant Classification Scheme 2023. Collection method: clinical testing. Allele origin: germline.

Eurofins Ntd Llc (ga)
Classification: Likely benign. Last evaluated: 2016-12-20. Review status: criteria provided, single submitter. Criteria: EGL Classification Definitions 2015. Collection method: clinical testing. Allele origin: germline. Observed: 1 variant allele, 1 heterozygote.

ARUP Laboratories, Molecular Genetics and Genomics, ARUP Laboratories
Classification: Likely benign. Last evaluated: 2016-11-02. Review status: criteria provided, single submitter. Criteria: ARUP Molecular Germline Variant Investigation Process. Collection method: clinical testing. Allele origin: germline.

Molecular Genetics Laboratory, London Health Sciences Centre
Classification: Likely benign for Charcot-Marie-Tooth disease. Review status: criteria provided, single submitter. Criteria: ACMG Guidelines, 2015. Collection method: clinical testing. Allele origin: germline. Affected: yes.

PreventionGenetics, part of Exact Sciences
Classification: Likely benign for DNAJB2-related condition. Last evaluated: 2019-05-30. Review status: no assertion criteria provided. Collection method: clinical testing. Allele origin: germline. Not counted in ClinVar's aggregate classification.
Comment: This variant is classified as likely benign based on ACMG/AMP sequence variant interpretation guidelines (Richards et al. 2015 PMID: 25741868, with internal and published modifications).